The following is an entry in ClinVar:

NM_018685.5(ANLN):c.1024G>T (p.Val342Phe)

Gene: ANLN (anillin, actin binding protein; plus strand). Cytogenetic location: 7p14.2.
Variant type: single nucleotide variant.
Coding change: c.1024G>T on transcript NM_018685.5 (MANE Select); coding-DNA position 1024, G replaced by T.
Protein change: p.Val342Phe; replaces valine 342 with phenylalanine.
Molecular consequence: missense variant.
Genome position (GRCh38, 1-based): chr7:36,407,884, G>T. VCF-style: chr7-36407884-G-T. GRCh37 (hg19) VCF-style: chr7-36447493-G-T.
Other names: c.1024G>T, p.Val342Phe (NM_001284301.3, NM_001284302.3); c.1024G>T (NM_018685.2); short protein forms V342F.
Identifiers: ClinVar variation 2994483 (VCV002994483.4), dbSNP rs1439550223, ClinGen allele CA367208488.

ClinVar aggregate classification (germline): Uncertain significance. Review status: criteria provided, multiple submitters, no conflicts (2 of 4 stars). 2 submissions from 2 submitters: Uncertain significance (2). Last evaluated 2025-12-04.

Allele frequency attached by ClinVar (database versions not stated): gnomAD exomes below 0.00001; TOPMed below 0.00001; gnomAD 0.00001.
gnomAD v4.1: 3 of 1,613,750 alleles (0.00019%); highest among the groups gnomAD compares: African/African-American, 0.004%; no homozygotes.

Submissions (2):

Ambry Genetics
Classification: Uncertain significance. Last evaluated: 2025-12-04. Review status: criteria provided, single submitter. Criteria: Ambry Variant Classification Scheme 2023. Collection method: clinical testing. Allele origin: germline.

Labcorp Genetics (formerly Invitae), Labcorp
Classification: Uncertain significance. Last evaluated: 2023-02-21. Review status: criteria provided, single submitter. Criteria: Invitae Variant Classification Sherloc (09022015). Collection method: clinical testing. Allele origin: germline.
Comment: This sequence change replaces valine, which is neutral and non-polar, with phenylalanine, which is neutral and non-polar, at codon 342 of the ANLN protein (p.Val342Phe). This variant is not present in population databases (gnomAD no frequency). In summary, the available evidence is currently insufficient to determine the role of this variant in disease. Therefore, it has been classified as a Variant of Uncertain Significance. Advanced modeling of protein sequence and biophysical properties (such as structural, functional, and spatial information, amino acid conservation, physicochemical variation, residue mobility, and thermodynamic stability) performed at Invitae indicates that this missense variant is not expected to disrupt ANLN protein function. This variant has not been reported in the literature in individuals affected with ANLN-related conditions.